The following is an entry in ClinVar:

NM_182931.3(KMT2E):c.4076C>T (p.Ser1359Leu)

Gene: KMT2E (lysine methyltransferase 2E (inactive); plus strand). Cytogenetic location: 7q22.3.
Variant type: single nucleotide variant.
Coding change: c.4076C>T on transcript NM_182931.3 (MANE Select); coding-DNA position 4076, C replaced by T.
Protein change: p.Ser1359Leu; replaces serine 1359 with leucine.
Molecular consequence: missense variant.
Genome position (GRCh38, 1-based): chr7:105,111,832, C>T. VCF-style: chr7-105111832-C-T. GRCh37 (hg19) VCF-style: chr7-104752279-C-T.
Other names: c.4076C>T, p.Ser1359Leu (NM_018682.4); short protein forms S1359L.
Identifiers: ClinVar variation 1173033 (VCV001173033.1), dbSNP rs2129570159, ClinGen allele CA368791579.
Genomic context (GRCh38, chr7:105,111,832, plus strand): 5'-TCAAGGTACACAAAATGTTCCTTGAATGTATATAATTTGTTTTCTCTTCATAGCCTGGTT[C>T]ACCTGGATCTGTAATTCCTGCTCAAGCACACGGGAAAATATTCACAAAACCAGATCCCCA-3'
Protein context (NP_891847.1, residues 1349-1369): KSPPKMSKPG[Ser1359Leu]PGSVIPAQAH

ClinVar aggregate classification (germline): Uncertain significance (1 of 4 stars; one submission).

gnomAD v4.1: 1 of 1,610,004 alleles (0.000062%); no homozygotes.

Submission:

GeneDx
Classification: Uncertain significance. Last evaluated: 2020-12-10. Review status: criteria provided, single submitter. Criteria: GeneDx Variant Classification (06012015). Collection method: clinical testing. Allele origin: germline. Affected: yes.
Comment: Not observed in large population cohorts (Lek et al., 2016) In silico analysis, which includes protein predictors and evolutionary conservation, supports that this variant does not alter protein structure/function Has not been previously published as pathogenic or benign to our knowledge